The following is an entry in ClinVar:

ClinVar aggregate classification (germline): Uncertain significance (1 of 4 stars; one submission).

Submission:

Labcorp Genetics (formerly Invitae), Labcorp
Classification: Uncertain significance. Last evaluated: 2020-03-01. Review status: criteria provided, single submitter. Criteria: Invitae Variant Classification Sherloc (09022015). Collection method: clinical testing. Allele origin: germline.
Comment: This sequence change replaces phenylalanine with cysteine at codon 72 of the CTNNA1 protein (p.Phe72Cys). The phenylalanine residue is highly conserved and there is a large physicochemical difference between phenylalanine and cysteine. This variant is not present in population databases (ExAC no frequency). This variant has not been reported in the literature in individuals with CTNNA1-related conditions. Algorithms developed to predict the effect of missense changes on protein structure and function are either unavailable or do not agree on the potential impact of this missense change (SIFT: "Deleterious"; PolyPhen-2: "Probably Damaging"; Align-GVGD: "Class C0"). In summary, the available evidence is currently insufficient to determine the role of this variant in disease. Therefore, it has been classified as a Variant of Uncertain Significance.

NM_001903.5(CTNNA1):c.215T>G (p.Phe72Cys)

Gene: CTNNA1 (catenin alpha 1; plus strand). Cytogenetic location: 5q31.2.
Variant type: single nucleotide variant.
Coding change: c.215T>G on transcript NM_001903.5 (MANE Select); coding-DNA position 215, T replaced by G.
Protein change: p.Phe72Cys; replaces phenylalanine 72 with cysteine.
Molecular consequence: missense variant. On other transcripts: intron variant (2).
Genome position (GRCh38, 1-based): chr5:138,783,286, T>G. VCF-style: chr5-138783286-T-G. GRCh37 (hg19) VCF-style: chr5-138118975-T-G.
Other names: c.215T>G, p.Phe72Cys (NM_001290307.3, NM_001323982.2, NM_001323983.1 and 3 more transcripts); c.-6+14T>G (NM_001290310.3); c.-9+1257T>G (NM_001290309.3); short protein forms F72C.
Identifiers: ClinVar variation 953786 (VCV000953786.9), dbSNP rs1755335972, ClinGen allele CA361477493.
Genomic context (GRCh38, chr5:138,783,286, plus strand): 5'-GAGGTCGTTCTAAGAAGGCCCATGTTTTGGCTGCATCTGTTGAACAAGCAACTGAGAATT[T>G]CTTGGAGAAGGGGGATAAAATTGCGAAGGAGAGCCAGTTTCTCAAGGAGGAGCTTGTGGC-3'
Protein context (NP_001894.2, residues 62-82): AASVEQATEN[Phe72Cys]LEKGDKIAKE